The following is an entry in ClinVar:

ClinVar aggregate classification (germline): Uncertain significance. Review status: criteria provided, multiple submitters, no conflicts (2 of 4 stars). 2 submissions from 2 submitters: Uncertain significance (2). Last evaluated 2026-01-11.

Allele frequency attached by ClinVar (database versions not stated): TOPMed 0.00002; ExAC 0.00004.

Submissions (2):

Labcorp Genetics (formerly Invitae), Labcorp
Classification: Uncertain significance. Last evaluated: 2026-01-11. Review status: criteria provided, single submitter. Criteria: Invitae Variant Classification Sherloc (09022015). Collection method: clinical testing. Allele origin: germline.
Comment: This sequence change replaces proline, which is neutral and non-polar, with leucine, which is neutral and non-polar, at codon 659 of the COL9A3 protein (p.Pro659Leu). This variant is present in population databases (rs772818200, gnomAD 0.006%). This variant has not been reported in the literature in individuals affected with COL9A3-related conditions. ClinVar contains an entry for this variant (Variation ID: 1212408). Invitae Evidence Modeling of protein sequence and biophysical properties (such as structural, functional, and spatial information, amino acid conservation, physicochemical variation, residue mobility, and thermodynamic stability) indicates that this missense variant is not expected to disrupt COL9A3 protein function with a negative predictive value of 95%. In summary, the available evidence is currently insufficient to determine the role of this variant in disease. Therefore, it has been classified as a Variant of Uncertain Significance.

GeneDx
Classification: Uncertain significance. Last evaluated: 2021-02-23. Review status: criteria provided, single submitter. Criteria: GeneDx Variant Classification Process June 2021. Collection method: clinical testing. Allele origin: germline. Affected: yes.
Comment: Has not been previously published as pathogenic or benign to our knowledge; In silico analysis supports that this missense variant has a deleterious effect on protein structure/function

NM_001853.4(COL9A3):c.1976C>T (p.Pro659Leu)

Gene: COL9A3 (collagen type IX alpha 3 chain; plus strand). Cytogenetic location: 20q13.33.
Variant type: single nucleotide variant.
Coding change: c.1976C>T on transcript NM_001853.4 (MANE Select); coding-DNA position 1976, C replaced by T.
Protein change: p.Pro659Leu; replaces proline 659 with leucine.
Molecular consequence: missense variant.
Genome position (GRCh38, 1-based): chr20:62,840,653, C>T. VCF-style: chr20-62840653-C-T. GRCh37 (hg19) VCF-style: chr20-61472005-C-T.
Other names: short protein forms P659L.
Identifiers: ClinVar variation 1212408 (VCV001212408.8), dbSNP rs772818200, ClinGen allele CA9950273.